The following is an entry in ClinVar:

NM_004329.3(BMPR1A):c.18T>G (p.Ile6Met)

Gene: BMPR1A (bone morphogenetic protein receptor type 1A; plus strand). Cytogenetic location: 10q23.2.
Variant type: single nucleotide variant.
Coding change: c.18T>G on transcript NM_004329.3 (MANE Select); coding-DNA position 18, T replaced by G.
Protein change: p.Ile6Met; replaces isoleucine 6 with methionine.
Molecular consequence: missense variant. On other transcripts: 5 prime UTR variant (1), non-coding transcript variant (3), intron variant (4).
Genome position (GRCh38, 1-based): chr10:86,876,036, T>G. VCF-style: chr10-86876036-T-G. GRCh37 (hg19) VCF-style: chr10-88635793-T-G.
Other names: c.18T>G, p.Ile6Met (NM_001406567.1, NM_001406568.1, NM_001406569.1 and 23 more transcripts); c.-62T>G (NM_001406588.1); c.-17-14026T>G (NM_001406584.1, NM_001406587.1, NM_001406585.1); c.-12-14031T>G (NM_001406586.1); short protein forms I6M.
Identifiers: ClinVar variation 5032998 (VCV005032998.1).

ClinVar aggregate classification (germline): Uncertain significance (1 of 4 stars; one submission).

Conditions:
Hereditary cancer-predisposing syndrome. Also called: Neoplastic Syndromes, Hereditary; Tumor predisposition; Hereditary neoplastic syndrome; Hereditary Cancer Syndrome. Identifiers: Orphanet 140162, MedGen C0027672, MeSH D009386, MONDO:0015356.

Submission:

Ambry Genetics
Classification: Uncertain significance for Hereditary cancer-predisposing syndrome. Last evaluated: 2026-07-07. Review status: criteria provided, single submitter. Criteria: Ambry Variant Classification Scheme 2023. Collection method: clinical testing. Allele origin: germline.
Comment: The p.I6M variant (also known as c.18T>G), located in coding exon 1 of the BMPR1A gene, results from a T to G substitution at nucleotide position 18. The isoleucine at codon 6 is replaced by methionine, an amino acid with highly similar properties. This amino acid position is conserved. In addition, this alteration is predicted to be tolerated by in silico analysis. Based on the available evidence, the clinical significance of this variant remains unclear.